The following is an entry in ClinVar:

ClinVar aggregate classification (germline): Pathogenic (1 of 4 stars; one submission).

Submission:

Labcorp Genetics (formerly Invitae), Labcorp
Classification: Pathogenic. Last evaluated: 2023-07-17. Review status: criteria provided, single submitter. Criteria: Invitae Variant Classification Sherloc (09022015). Collection method: clinical testing. Allele origin: germline.
Comment: This variant has not been reported in the literature in individuals affected with TRAPPC9-related conditions. For these reasons, this variant has been classified as Pathogenic. ClinVar contains an entry for this variant (Variation ID: 1995486). This variant is not present in population databases (gnomAD no frequency). This sequence change creates a premature translational stop signal (p.His306Glnfs*32) in the TRAPPC9 gene. It is expected to result in an absent or disrupted protein product. Loss-of-function variants in TRAPPC9 are known to be pathogenic (PMID: 2000476, 20004763, 20004764).

Literature cited by the submitters: PubMed 2000476; PubMed 20004763; PubMed 20004764.

NM_001160372.4(TRAPPC9):c.620_623dup (p.His208fs)

Gene: TRAPPC9 (trafficking protein particle complex subunit 9; minus strand). Cytogenetic location: 8q24.3.
Variant type: Duplication.
Coding change: c.620_623dup on transcript NM_001160372.4 (MANE Select); coding-DNA positions 620 to 623, 4 bases duplicated (AGCA; older notation c.620_623dupAGCA).
Protein change: p.His208fs; shifts the reading frame from histidine 208.
Molecular consequence: frameshift variant. On other transcripts: non-coding transcript variant (1).
Genome position (GRCh38, 1-based): chr8:140,439,159-140,439,162, TGCT duplicated on the plus strand (AGCA on the coding strand, the reverse complement: TRAPPC9 is on the minus strand); duplicating any 4 consecutive bases within chr8:140,439,159-140,439,163 gives the same sequence; the c. name uses the placement nearest the transcript's 3' end. VCF-style (leftmost placement, unchanged base first): chr8-140439158-G-GTGCT. GRCh37 (hg19) VCF-style: chr8-141449257-G-GTGCT.
Other names: c.620_623dup, p.His208fs (NM_001321646.2, NM_001374683.1, NM_001374684.1 and 1 more transcripts); c.641_644dup, p.His215fs (NM_001374682.1); short protein forms H208fs, H215fs.
Identifiers: ClinVar variation 1995486 (VCV001995486.4), dbSNP rs2540470663, ClinGen allele CA2580078627.
Genomic context (GRCh38, chr8:140,439,158, plus strand): 5'-CATGTGGTAATGCACCAGGGAGTCCTGCAGCATCCCTGCCTGCAGGCACAGGTCCCCCAC[G>GTGCT]TGCTTCCGCATGCGGCCTTGGCACCGCTTCTTGTAATGTCTAGAAAATACATGAAAATGT-3'